The following is an entry in ClinVar:

ClinVar aggregate classification (germline): Pathogenic (3 of 4 stars; one submission).

Conditions:
Breast-ovarian cancer, familial, susceptibility to, 2 (BROVCA2). Also called: BRCA2 Hereditary Breast and Ovarian Cancer. Identifiers: Orphanet 145, MedGen C2675520, MONDO:0012933, OMIM 612555. Disease mechanism: loss of function.

Submission:

Evidence-based Network for the Interpretation of Germline Mutant Alleles (ENIGMA)
Classification: Pathogenic for Breast-ovarian cancer, familial, susceptibility to, 2. Last evaluated: 2017-12-15. Review status: reviewed by expert panel. Criteria: ENIGMA BRCA1/2 Classification Criteria (2017-06-29). Collection method: curation. Allele origin: germline. Study: ENIGMA.
Comment: Variant allele predicted to encode a truncated non-functional protein.

NM_000059.4(BRCA2):c.488dup (p.Ser163fs)

Gene: BRCA2 (BRCA2 DNA repair associated; plus strand). Cytogenetic location: 13q13.1.
Variant type: Duplication.
Coding change: c.488dup on transcript NM_000059.4 (MANE Select); coding-DNA position 488, one base duplicated (G; older notation c.488dupG).
Protein change: p.Ser163fs; shifts the reading frame from serine 163.
Molecular consequence: frameshift variant.
Genome position (GRCh38, 1-based): chr13:32,326,254, G duplicated. VCF-style (leftmost placement, unchanged base first): chr13-32326253-A-AG. GRCh37 (hg19) VCF-style: chr13-32900390-A-AG.
Other names: c.488dupG (NM_000059.3); short protein forms S163fs.
Identifiers: ClinVar variation 548342 (VCV000548342.1), dbSNP rs1555280989, ClinGen allele CA658823628.